The following is an entry in ClinVar:

NM_016373.4(WWOX):c.517-12C>A

Gene: WWOX (WW domain containing oxidoreductase; plus strand). Cytogenetic location: 16q23.1.
Variant type: single nucleotide variant.
Coding change: c.517-12C>A on transcript NM_016373.4 (MANE Select); 12 bases into the intron before coding-DNA position 517, C replaced by A.
Molecular consequence: intron variant.
Genome position (GRCh38, 1-based): chr16:78,386,848, C>A. VCF-style: chr16-78386848-C-A. GRCh37 (hg19) VCF-style: chr16-78420745-C-A.
Other names: c.178-12C>A (NM_001291997.2).
Identifiers: ClinVar variation 668591 (VCV000668591.9), dbSNP rs373188700, ClinGen allele CA724235853.

ClinVar aggregate classification (germline): Likely benign. Review status: criteria provided, multiple submitters, no conflicts (2 of 4 stars). 2 submissions from 2 submitters: Likely benign (2). Last evaluated 2021-08-26.

Conditions:
Autosomal recessive spinocerebellar ataxia 12. Also called: SPINOCEREBELLAR ATAXIA WITH MENTAL RETARDATION AND EPILEPSY. Identifiers: Orphanet 284282, MedGen C3280452, MONDO:0013687, OMIM 614322.
Developmental and epileptic encephalopathy, 1 (DEE1). Also called: X-linked infantile spasms; West's syndrome; Tonic spasms with clustering, arrest of psychomotor development and hypsarrhythmia on EEG; X-Linked Infantile Spasm Syndrome; OHTAHARA SYNDROME, X-LINKED; INFANTILE SPASM SYNDROME, X-LINKED 1. Identifiers: MedGen C3463992, MONDO:0010632, OMIM 308350. Disease mechanism: loss of function.

Allele frequency attached by ClinVar (database versions not stated): TOPMed 0.00001.

Submissions (2):

Labcorp Genetics (formerly Invitae), Labcorp
Classification: Likely benign for Developmental and epileptic encephalopathy, 1; Autosomal recessive spinocerebellar ataxia 12. Last evaluated: 2021-08-26. Review status: criteria provided, single submitter. Criteria: Invitae Variant Classification Sherloc (09022015). Collection method: clinical testing. Allele origin: germline.

GeneDx
Classification: Likely benign. Last evaluated: 2018-05-23. Review status: criteria provided, single submitter. Criteria: GeneDx Variant Classification (06012015). Collection method: clinical testing. Allele origin: germline. Affected: yes.
Comment: This variant is considered likely benign or benign based on one or more of the following criteria: it is a conservative change, it occurs at a poorly conserved position in the protein, it is predicted to be benign by multiple in silico algorithms, and/or has population frequency not consistent with disease.